The following is an entry in ClinVar:

ClinVar aggregate classification (germline): Benign (1 of 4 stars; one submission).

Allele frequency attached by ClinVar (database versions not stated): 1000 Genomes Project 30x 0.00203; 1000 Genomes Project 0.00220; ExAC 0.00450; gnomAD 0.00839; TOPMed 0.00853; ESP Exome Variant Server 0.00897; gnomAD exomes 0.01176.
gnomAD v4.1: 17,619 of 1,547,950 alleles (1.1%); highest among the groups gnomAD compares: Non-Finnish European, 1.3%; 106 homozygotes.

Submission:

CeGaT Center for Human Genetics Tuebingen
Classification: Benign. Last evaluated: 2022-12-01. Review status: criteria provided, single submitter. Criteria: CeGaT Center For Human Genetics Tuebingen Variant Classification Criteria Version 2. Collection method: clinical testing. Allele origin: germline. Affected: yes. Observed: 1 variant allele.
Comment: PLEKHH3: BS1, BS2

NM_024927.5(PLEKHH3):c.841C>T (p.Arg281Trp)

Gene: PLEKHH3 (pleckstrin homology, MyTH4 and FERM domain containing H3; minus strand). Cytogenetic location: 17q21.2.
Variant type: single nucleotide variant.
Coding change: c.841C>T on transcript NM_024927.5 (MANE Select); coding-DNA position 841, C replaced by T.
Protein change: p.Arg281Trp; replaces arginine 281 with tryptophan.
Molecular consequence: missense variant. On other transcripts: non-coding transcript variant (1).
Genome position (GRCh38, 1-based): chr17:42,672,321, G>A on the plus strand (C>T on the coding strand, the complement: PLEKHH3 is on the minus strand). VCF-style: chr17-42672321-G-A. GRCh37 (hg19) VCF-style: chr17-40824339-G-A.
Other names: c.841C>T, p.Arg281Trp (NM_001411112.1); short protein forms R281W.
Identifiers: ClinVar variation 2647797 (VCV002647797.24), dbSNP rs200210041, ClinGen allele CA8580972.
Genomic context (GRCh38, chr17:42,672,321, plus strand): 5'-GGAGCGCGGGCAAGTCCCGGCAGGTTTGGAGCACACCCTGCATCAAGGGCCCGGGGCGCC[G>A]CGCCCCCTCCAGCGCCTGCAGCGCCAAGAACAGCCGCACCGCCTCCTCGCGCAGGGGTGC-3'
Protein context (NP_079203.4, residues 271-291): FLALQALEGA[Arg281Trp]RPGPLMQGVL